The following is an entry in ClinVar:

NM_016653.3(MAP3K20):c.1769G>A (p.Arg590His)

Genes: MAP3K20-AS1 (MAP3K20 antisense RNA 1; minus strand), MAP3K20 (mitogen-activated protein kinase kinase kinase 20; plus strand). Cytogenetic location: 2q31.1.
Variant type: single nucleotide variant.
Coding change: c.1769G>A on transcript NM_016653.3 (MANE Select); coding-DNA position 1769, G replaced by A.
Protein change: p.Arg590His; replaces arginine 590 with histidine.
Molecular consequence: missense variant.
Genome position (GRCh38, 1-based): chr2:173,266,116, G>A. VCF-style: chr2-173266116-G-A. GRCh37 (hg19) VCF-style: chr2-174130844-G-A.
Other names: short protein forms R590H.
Identifiers: ClinVar variation 1433064 (VCV001433064.3), dbSNP rs200257993, ClinGen allele CA1970958.

ClinVar aggregate classification (germline): Uncertain significance (1 of 4 stars; one submission).

Allele frequency attached by ClinVar (database versions not stated): ExAC 0.00004; gnomAD exomes 0.00004 and 0.00018; gnomAD 0.00006 and 0.00007; ESP Exome Variant Server 0.00008; TOPMed 0.00009; 1000 Genomes Project 30x 0.00016; 1000 Genomes Project 0.00020.
gnomAD v4.1: 270 of 1,611,192 alleles (0.017%); highest among the groups gnomAD compares: Non-Finnish European, 0.022%; no homozygotes.

Submission:

Labcorp Genetics (formerly Invitae), Labcorp
Classification: Uncertain significance. Last evaluated: 2021-09-19. Review status: criteria provided, single submitter. Criteria: Invitae Variant Classification Sherloc (09022015). Collection method: clinical testing. Allele origin: germline.
Comment: This sequence change replaces arginine with histidine at codon 590 of the MAP3K20 protein (p.Arg590His). The arginine residue is moderately conserved and there is a small physicochemical difference between arginine and histidine. This variant is present in population databases (rs200257993, ExAC 0.04%). This variant has not been reported in the literature in individuals affected with MAP3K20-related conditions. Experimental studies and prediction algorithms are not available or were not evaluated, and the functional significance of this variant is currently unknown. In summary, the available evidence is currently insufficient to determine the role of this variant in disease. Therefore, it has been classified as a Variant of Uncertain Significance.